The following is an entry in ClinVar:

NC_000011.9:g.(?_66288721)_(66293683_?)del

Gene: BBS1 (Bardet-Biedl syndrome 1; plus strand). Cytogenetic location: 11q13.2.
Variant type: Deletion.
Identifiers: ClinVar variation 1069865 (VCV001069865.7).

ClinVar aggregate classification (germline): Pathogenic (1 of 4 stars; one submission).

Conditions:
Bardet-Biedl syndrome (BBS). Identifiers: Orphanet 110, MedGen C0752166, MONDO:0015229.

Submission:

Labcorp Genetics (formerly Invitae), Labcorp
Classification: Pathogenic for Bardet-Biedl syndrome. Last evaluated: 2020-09-01. Review status: criteria provided, single submitter. Criteria: Invitae Variant Classification Sherloc (09022015). Collection method: clinical testing. Allele origin: germline.
Comment: This variant is an out-of-frame deletion of the genomic region encompassing exon(s) 9-12 of the BBS1 gene. This is expected to create a premature translational stop signal and result in an absent or disrupted protein product. A similar copy number variant has been observed in individual(s) with Bardet-Biedl syndrome (PMID: 27486776, Invitae). In at least one individual the data is consistent with the variant being in trans (on the opposite chromosome) from a pathogenic variant. For these reasons, this variant has been classified as Pathogenic. Loss-of-function variants in BBS1 are known to be pathogenic (PMID: 12118255).

Literature cited by the submitters: PubMed 27486776; PubMed 12118255.